The following is an entry in ClinVar:

NM_000260.4(MYO7A):c.593-1del

Gene: MYO7A (myosin VIIA; plus strand). Cytogenetic location: 11q13.5.
Variant type: Deletion.
Coding change: c.593-1del on transcript NM_000260.4 (MANE Select); the canonical splice acceptor site of the intron before coding-DNA position 593, one base deleted (G; older notation c.593-1delG).
Molecular consequence: splice acceptor variant.
Genome position (GRCh38, 1-based): chr11:77,156,861, G deleted. VCF-style (leftmost placement, unchanged base first): chr11-77156860-AG-A. GRCh37 (hg19) VCF-style: chr11-76867906-AG-A.
Other names: c.560-1del (NM_001369365.1); c.593-1del (NM_001127180.2).
Identifiers: ClinVar variation 2745156 (VCV002745156.3), dbSNP rs2496748177, ClinGen allele CA2697548809.

ClinVar aggregate classification (germline): Likely pathogenic (1 of 4 stars; one submission).

Submission:

Labcorp Genetics (formerly Invitae), Labcorp
Classification: Likely pathogenic. Last evaluated: 2023-07-19. Review status: criteria provided, single submitter. Criteria: Invitae Variant Classification Sherloc (09022015). Collection method: clinical testing. Allele origin: germline.
Comment: Algorithms developed to predict the effect of sequence changes on RNA splicing suggest that this variant may disrupt the consensus splice site. In summary, the currently available evidence indicates that the variant is pathogenic, but additional data are needed to prove that conclusively. Therefore, this variant has been classified as Likely Pathogenic. This variant has not been reported in the literature in individuals affected with MYO7A-related conditions. This sequence change affects an acceptor splice site in intron 6 of the MYO7A gene. It is expected to disrupt RNA splicing. Variants that disrupt the donor or acceptor splice site typically lead to a loss of protein function (PMID: 16199547), and loss-of-function variants in MYO7A are known to be pathogenic (PMID: 8900236, 25404053). This variant is not present in population databases (gnomAD no frequency).

Literature cited by the submitters: PubMed 16199547; PubMed 8900236; PubMed 25404053.